The following is an entry in ClinVar:

ClinVar aggregate classification (germline): Uncertain significance (1 of 4 stars; one submission).

Conditions:
Inborn genetic diseases. Identifiers: MedGen C0950123, MeSH D030342.

Submission:

Ambry Genetics
Classification: Uncertain significance for Inborn genetic diseases. Last evaluated: 2024-02-06. Review status: criteria provided, single submitter. Criteria: Ambry Variant Classification Scheme 2023. Collection method: clinical testing. Allele origin: germline.
Comment: The p.A735T variant (also known as c.2203G>A), located in coding exon 18 of the LRRK2 gene, results from a G to A substitution at nucleotide position 2203. The alanine at codon 735 is replaced by threonine, an amino acid with similar properties. This amino acid position is conserved. In addition, this alteration is predicted to be tolerated by in silico analysis. Based on the available evidence, the clinical significance of this alteration remains unclear.

NM_198578.4(LRRK2):c.2203G>A (p.Ala735Thr)

Gene: LRRK2 (leucine rich repeat kinase 2; plus strand). Cytogenetic location: 12q12.
Variant type: single nucleotide variant.
Coding change: c.2203G>A on transcript NM_198578.4 (MANE Select); coding-DNA position 2203, G replaced by A.
Protein change: p.Ala735Thr; replaces alanine 735 with threonine.
Molecular consequence: missense variant.
Genome position (GRCh38, 1-based): chr12:40,278,223, G>A. VCF-style: chr12-40278223-G-A. GRCh37 (hg19) VCF-style: chr12-40672025-G-A.
Other names: short protein forms A735T.
Identifiers: ClinVar variation 3229546 (VCV003229546.1), dbSNP rs2499639314, ClinGen allele CA384405251.